The following is an entry in ClinVar:

NM_001164277.2(SLC37A4):c.907C>G (p.Leu303Val)

Gene: SLC37A4 (solute carrier family 37 member 4; minus strand). Cytogenetic location: 11q23.3.
Variant type: single nucleotide variant.
Coding change: c.907C>G on transcript NM_001164277.2 (MANE Select); coding-DNA position 907, C replaced by G.
Protein change: p.Leu303Val; replaces leucine 303 with valine.
Molecular consequence: missense variant.
Genome position (GRCh38, 1-based): chr11:119,026,044, G>C on the plus strand (C>G on the coding strand, the complement: SLC37A4 is on the minus strand). VCF-style: chr11-119026044-G-C. GRCh37 (hg19) VCF-style: chr11-118896754-G-C.
Other names: c.907C>G, p.Leu303Val (NM_001164278.2, NM_001164280.2, NM_001467.6); c.688C>G, p.Leu230Val (NM_001164279.2); short protein forms L230V, L303V.
Identifiers: ClinVar variation 4810624 (VCV004810624.1).

ClinVar aggregate classification (germline): Uncertain significance (1 of 4 stars; one submission).

Conditions:
Glucose-6-phosphate transport defect (GSD1B). Also called: Glycogen Storage Disease Type Ib; GSD Ib. Identifiers: Orphanet 364, Orphanet 79259, MedGen C0268146, MONDO:0009288, OMIM 232220.

Submission:

Labcorp Genetics (formerly Invitae), Labcorp
Classification: Uncertain significance for Glucose-6-phosphate transport defect. Last evaluated: 2025-04-17. Review status: criteria provided, single submitter. Criteria: Invitae Variant Classification Sherloc (09022015). Collection method: clinical testing. Allele origin: germline.
Comment: This sequence change replaces leucine, which is neutral and non-polar, with valine, which is neutral and non-polar, at codon 303 of the SLC37A4 protein (p.Leu303Val). This variant is not present in population databases (gnomAD no frequency). This variant has not been reported in the literature in individuals affected with SLC37A4-related conditions. Invitae Evidence Modeling of protein sequence and biophysical properties (such as structural, functional, and spatial information, amino acid conservation, physicochemical variation, residue mobility, and thermodynamic stability) indicates that this missense variant is not expected to disrupt SLC37A4 protein function with a negative predictive value of 80%. In summary, the available evidence is currently insufficient to determine the role of this variant in disease. Therefore, it has been classified as a Variant of Uncertain Significance.